The following is an entry in ClinVar:

ClinVar aggregate classification (germline): Uncertain significance (1 of 4 stars; one submission).

Conditions:
Neuropathy, hereditary sensory, type 1F. Also called: Hereditary sensory neuropathy type IF; HSN IF. Identifiers: Orphanet 36386, MedGen C3810194, MONDO:0014286, OMIM 615632.

gnomAD v4.1: 2 of 1,590,364 alleles (0.00013%); highest among the groups gnomAD compares: Non-Finnish European, 0.00017%; no homozygotes.

Submission:

Labcorp Genetics (formerly Invitae), Labcorp
Classification: Uncertain significance for Neuropathy, hereditary sensory, type 1F. Last evaluated: 2024-09-01. Review status: criteria provided, single submitter. Criteria: Invitae Variant Classification Sherloc (09022015). Collection method: clinical testing. Allele origin: germline.
Comment: This sequence change replaces lysine, which is basic and polar, with asparagine, which is neutral and polar, at codon 203 of the ATL3 protein (p.Lys203Asn). This variant is not present in population databases (gnomAD no frequency). This variant has not been reported in the literature in individuals affected with ATL3-related conditions. ClinVar contains an entry for this variant (Variation ID: 863331). Invitae Evidence Modeling of protein sequence and biophysical properties (such as structural, functional, and spatial information, amino acid conservation, physicochemical variation, residue mobility, and thermodynamic stability) indicates that this missense variant is expected to disrupt ATL3 protein function with a positive predictive value of 80%. In summary, the available evidence is currently insufficient to determine the role of this variant in disease. Therefore, it has been classified as a Variant of Uncertain Significance.

NM_015459.5(ATL3):c.609G>C (p.Lys203Asn)

Genes: ATL3 (atlastin GTPase 3; minus strand), LNCROPM (lncRNA regulator of PLAAT3 mediated phospholipid metabolism; plus strand). Cytogenetic location: 11q13.1.
Variant type: single nucleotide variant.
Coding change: c.609G>C on transcript NM_015459.5 (MANE Select); coding-DNA position 609, G replaced by C.
Protein change: p.Lys203Asn; replaces lysine 203 with asparagine.
Molecular consequence: missense variant.
Genome position (GRCh38, 1-based): chr11:63,646,516, C>G on the plus strand (G>C on the coding strand, the complement: ATL3 is on the minus strand). VCF-style: chr11-63646516-C-G. GRCh37 (hg19) VCF-style: chr11-63413988-C-G.
Other names: c.555G>C, p.Lys185Asn (NM_001290048.2); short protein forms K185N, K203N.
Identifiers: ClinVar variation 863331 (VCV000863331.9), dbSNP rs1939885691, ClinGen allele CA381025890.